The following is an entry in ClinVar:

NM_138704.4(NSMCE3):c.191C>T (p.Ser64Leu)

Genes: ENTREP2 (endosomal transmembrane epsin interactor 2; minus strand), NSMCE3 (NSE3 homolog, SMC5-SMC6 complex component; minus strand). Cytogenetic location: 15q13.1.
Variant type: single nucleotide variant.
Coding change: c.191C>T on transcript NM_138704.4 (MANE Select); coding-DNA position 191, C replaced by T.
Protein change: p.Ser64Leu; replaces serine 64 with leucine.
Molecular consequence: missense variant. On other transcripts: intron variant (5).
Genome position (GRCh38, 1-based): chr15:29,269,515, G>A on the plus strand (C>T on the coding strand, the complement: NSMCE3 is on the minus strand). VCF-style: chr15-29269515-G-A. GRCh37 (hg19) VCF-style: chr15-29561719-G-A.
Other names: c.-12-17037C>T (NM_001387217.1, NM_001387215.1, NM_001387216.1); c.277-17037C>T (NM_001387214.1, NM_015307.2); short protein forms S64L.
Identifiers: ClinVar variation 1516939 (VCV001516939.3), dbSNP rs1044217328, ClinGen allele CA391484740.
Genomic context (GRCh38, chr15:29,269,515, plus strand): 5'-TGCTTCTGGCTCCTGGGCCCCACGGCGGGGGCGGCCTGGGCCCGGCGGGCGCCCTGAGGC[G>A]AGGGGCCCTGCGACCCCTGCGAGCCGCCCGGCCCGCGGGACGTGCTCGGGGCCTCCTCGG-3'
Protein context (NP_619649.1, residues 54-74): PGGSQGSQGP[Ser64Leu]PQGARRAQAA

ClinVar aggregate classification (germline): Uncertain significance (1 of 4 stars; one submission).

Allele frequency attached by ClinVar (database versions not stated): TOPMed below 0.00001; gnomAD 0.00001.
gnomAD v4.1: 1 of 1,589,142 alleles (0.000063%); highest among the groups gnomAD compares: African/African-American, 0.0014%; no homozygotes.

Submission:

Labcorp Genetics (formerly Invitae), Labcorp
Classification: Uncertain significance. Last evaluated: 2021-10-25. Review status: criteria provided, single submitter. Criteria: Invitae Variant Classification Sherloc (09022015). Collection method: clinical testing. Allele origin: germline.
Comment: This sequence change replaces serine with leucine at codon 64 of the NSMCE3 protein (p.Ser64Leu). The serine residue is weakly conserved and there is a large physicochemical difference between serine and leucine. This variant is not present in population databases (ExAC no frequency). This variant has not been reported in the literature in individuals affected with NSMCE3-related conditions. Algorithms developed to predict the effect of missense changes on protein structure and function (SIFT, PolyPhen-2, Align-GVGD) all suggest that this variant is likely to be tolerated. In summary, the available evidence is currently insufficient to determine the role of this variant in disease. Therefore, it has been classified as a Variant of Uncertain Significance.